The following is an entry in ClinVar:

ClinVar aggregate classification (germline): Uncertain significance. Review status: criteria provided, multiple submitters, no conflicts (2 of 4 stars). 2 submissions from 2 submitters: Uncertain significance (2). Last evaluated 2024-02-26.

Conditions:
Fanconi anemia (FA). Also called: Fanconi's anemia. Identifiers: Orphanet 84, MedGen C0015625, MeSH D005199, MONDO:0019391.
Fanconi anemia complementation group I (FANCI). Also called: FANCI-Related Fanconi Anemia. Identifiers: Orphanet 84, MedGen C1836861, MONDO:0012186, OMIM 609053.

gnomAD v4.1: 5 of 1,613,228 alleles (0.00031%); highest among the groups gnomAD compares: South Asian, 0.0011%; no homozygotes.

Submissions (2):

Fulgent Genetics
Classification: Uncertain significance for Fanconi anemia complementation group I. Last evaluated: 2024-02-26. Review status: criteria provided, single submitter. Criteria: ACMG Guidelines, 2015. Collection method: clinical testing. Allele origin: germline.

Labcorp Genetics (formerly Invitae), Labcorp
Classification: Uncertain significance for Fanconi anemia. Last evaluated: 2024-02-20. Review status: criteria provided, single submitter. Criteria: Invitae Variant Classification Sherloc (09022015). Collection method: clinical testing. Allele origin: germline.
Comment: This sequence change replaces threonine, which is neutral and polar, with lysine, which is basic and polar, at codon 1226 of the FANCI protein (p.Thr1226Lys). This variant is present in population databases (no rsID available, gnomAD 0.002%). This variant has not been reported in the literature in individuals affected with FANCI-related conditions. An algorithm developed to predict the effect of missense changes on protein structure and function (PolyPhen-2) suggests that this variant is likely to be tolerated. In summary, the available evidence is currently insufficient to determine the role of this variant in disease. Therefore, it has been classified as a Variant of Uncertain Significance.

NM_001113378.2(FANCI):c.3677C>A (p.Thr1226Lys)

Gene: FANCI (FA complementation group I; plus strand). Cytogenetic location: 15q26.1.
Variant type: single nucleotide variant.
Coding change: c.3677C>A on transcript NM_001113378.2 (MANE Select); coding-DNA position 3677, C replaced by A.
Protein change: p.Thr1226Lys; replaces threonine 1226 with lysine.
Molecular consequence: missense variant.
Genome position (GRCh38, 1-based): chr15:89,312,929, C>A. VCF-style: chr15-89312929-C-A. GRCh37 (hg19) VCF-style: chr15-89856160-C-A.
Other names: c.3398C>A, p.Thr1133Lys (NM_001376910.1); c.3677C>A, p.Thr1226Lys (NM_001376911.1); c.3497C>A, p.Thr1166Lys (NM_018193.3); short protein forms T1226K, T1133K, T1166K.
Identifiers: ClinVar variation 3577977 (VCV003577977.3).